The following is an entry in ClinVar:

NM_052854.4(CREB3L1):c.1370G>C (p.Gly457Ala)

Gene: CREB3L1 (cAMP responsive element binding protein 3 like 1; plus strand). Cytogenetic location: 11p11.2.
Variant type: single nucleotide variant.
Coding change: c.1370G>C on transcript NM_052854.4 (MANE Select); coding-DNA position 1370, G replaced by C.
Protein change: p.Gly457Ala; replaces glycine 457 with alanine.
Molecular consequence: missense variant.
Genome position (GRCh38, 1-based): chr11:46,320,375, G>C. VCF-style: chr11-46320375-G-C. GRCh37 (hg19) VCF-style: chr11-46341926-G-C.
Other names: short protein forms G457A.
Identifiers: ClinVar variation 2095312 (VCV002095312.4), dbSNP rs758039766, ClinGen allele CA380225866.

ClinVar aggregate classification (germline): Uncertain significance (1 of 4 stars; one submission).

Submission:

Labcorp Genetics (formerly Invitae), Labcorp
Classification: Uncertain significance. Last evaluated: 2024-10-23. Review status: criteria provided, single submitter. Criteria: Invitae Variant Classification Sherloc (09022015). Collection method: clinical testing. Allele origin: germline.
Comment: This sequence change replaces glycine, which is neutral and non-polar, with alanine, which is neutral and non-polar, at codon 457 of the CREB3L1 protein (p.Gly457Ala). This variant is not present in population databases (gnomAD no frequency). This variant has not been reported in the literature in individuals affected with CREB3L1-related conditions. ClinVar contains an entry for this variant (Variation ID: 2095312). An algorithm developed to predict the effect of missense changes on protein structure and function (PolyPhen-2) suggests that this variant is likely to be tolerated. In summary, the available evidence is currently insufficient to determine the role of this variant in disease. Therefore, it has been classified as a Variant of Uncertain Significance.